The following is an entry in ClinVar:

NM_006922.4(SCN3A):c.5483A>G (p.Lys1828Arg)

Gene: SCN3A (sodium voltage-gated channel alpha subunit 3; minus strand). Cytogenetic location: 2q24.3.
Variant type: single nucleotide variant.
Coding change: c.5483A>G on transcript NM_006922.4 (MANE Select); coding-DNA position 5483, A replaced by G.
Protein change: p.Lys1828Arg; replaces lysine 1828 with arginine.
Molecular consequence: missense variant.
Genome position (GRCh38, 1-based): chr2:165,090,670, T>C on the plus strand (A>G on the coding strand, the complement: SCN3A is on the minus strand). VCF-style: chr2-165090670-T-C. GRCh37 (hg19) VCF-style: chr2-165947180-T-C.
Other names: c.5336A>G, p.Lys1779Arg (NM_001081676.2, NM_001081677.2); short protein forms K1779R, K1828R.
Identifiers: ClinVar variation 951163 (VCV000951163.10), dbSNP rs143406452, ClinGen allele CA1938398.
Genomic context (GRCh38, chr2:165,090,670, plus strand): 5'-TGGATCCGGTCACCACTGACCATGGGCAGATCCATGGCAATAAGCTGGACTTTGTTGGGT[T>C]TTGCTATGAGAAGAGGAGGATCCAGGGCAGCTGCAAAATCAGAGAGTTTAGAGAACTCTA-3'
Protein context (NP_008853.3, residues 1818-1838): AALDPPLLIA[Lys1828Arg]PNKVQLIAMD

ClinVar aggregate classification (germline): Uncertain significance. Review status: criteria provided, multiple submitters, no conflicts (2 of 4 stars). 2 submissions from 2 submitters: Uncertain significance (2). Last evaluated 2026-01-28.

Conditions:
Inborn genetic diseases. Identifiers: MedGen C0950123, MeSH D030342.

Allele frequency attached by ClinVar (database versions not stated): gnomAD exomes 0.00001; ExAC 0.00002; ESP Exome Variant Server 0.00008; TOPMed 0.00008; gnomAD 0.00009.

Submissions (2):

Labcorp Genetics (formerly Invitae), Labcorp
Classification: Uncertain significance. Last evaluated: 2026-01-28. Review status: criteria provided, single submitter. Criteria: Invitae Variant Classification Sherloc (09022015). Collection method: clinical testing. Allele origin: germline.
Comment: This sequence change replaces lysine, which is basic and polar, with arginine, which is basic and polar, at codon 1828 of the SCN3A protein (p.Lys1828Arg). This variant is present in population databases (rs143406452, gnomAD 0.03%). This variant has not been reported in the literature in individuals affected with SCN3A-related conditions. ClinVar contains an entry for this variant (Variation ID: 951163). Invitae Evidence Modeling of protein sequence and biophysical properties (such as structural, functional, and spatial information, amino acid conservation, physicochemical variation, residue mobility, and thermodynamic stability) has been performed for this missense variant. However, the output from this modeling did not meet the statistical confidence thresholds required to predict the impact of this variant on SCN3A protein function. In summary, the available evidence is currently insufficient to determine the role of this variant in disease. Therefore, it has been classified as a Variant of Uncertain Significance.

Ambry Genetics
Classification: Uncertain significance for Inborn genetic diseases. Last evaluated: 2025-05-07. Review status: criteria provided, single submitter. Criteria: Ambry Variant Classification Scheme 2023. Collection method: clinical testing. Allele origin: germline.